The following is an entry in ClinVar:

ClinVar aggregate classification (germline): Likely pathogenic (1 of 4 stars; one submission).

Conditions:
Glycine encephalopathy. Also called: Non-ketotic hyperglycinemia; Nonketotic hyperglycinemia. Identifiers: Orphanet 407, MedGen C0751748, MONDO:0011612, HP:0008288.

Submission:

Myriad Genetics, Inc.
Classification: Likely pathogenic for Glycine encephalopathy 1. Last evaluated: 2019-12-23. Review status: criteria provided, single submitter. Criteria: Myriad Women's Health Autosomal Recessive and X-Linked Classification Criteria (2019). Collection method: clinical testing. Allele origin: unknown.
Comment: NM_000170.2(GLDC):c.1510G>T(E504*) is expected to be pathogenic in the context of GLDC-related glycine encephalopathy. This variant is predicted to lead to an abnormal or absent protein product due to the creation of a premature termination codon in GLDC, a gene where loss-of-function variants are known to be pathogenic. Please note: this variant was assessed in the context of healthy population screening.

NM_000170.3(GLDC):c.1510G>T (p.Glu504Ter)

Gene: GLDC (glycine decarboxylase; minus strand). Cytogenetic location: 9p24.1.
Variant type: single nucleotide variant.
Coding change: c.1510G>T on transcript NM_000170.3 (MANE Select); coding-DNA position 1510, G replaced by T.
Protein change: p.Glu504Ter; replaces glutamic acid 504 with a stop codon.
Molecular consequence: nonsense.
Genome position (GRCh38, 1-based): chr9:6,589,265, C>A on the plus strand (G>T on the coding strand, the complement: GLDC is on the minus strand). VCF-style: chr9-6589265-C-A. GRCh37 (hg19) VCF-style: chr9-6589265-C-A.
Other names: short protein forms E504*.
Identifiers: ClinVar variation 983839 (VCV000983839.3), dbSNP rs1038321056, ClinGen allele CA372893346.